The following is an entry in ClinVar:

ClinVar aggregate classification (germline): Likely benign (0 of 4 stars; one submission).

Conditions:
WFS1-related disorder. Identifiers: MedGen CN379391, MONDO:0700293.

gnomAD v4.1: 7 of 1,611,386 alleles (0.00043%); highest among the groups gnomAD compares: African/African-American, 0.0027%; no homozygotes.

Submission:

PreventionGenetics, part of Exact Sciences
Classification: Likely benign for WFS1-related condition. Last evaluated: 2024-03-13. Review status: no assertion criteria provided. Collection method: clinical testing. Allele origin: germline.
Comment: This variant is classified as likely benign based on ACMG/AMP sequence variant interpretation guidelines (Richards et al. 2015 PMID: 25741868, with internal and published modifications).

NM_006005.3(WFS1):c.2410C>T (p.Leu804=)

Gene: WFS1 (wolframin ER transmembrane glycoprotein; plus strand). Cytogenetic location: 4p16.1.
Variant type: single nucleotide variant.
Coding change: c.2410C>T on transcript NM_006005.3 (MANE Select); coding-DNA position 2410, C replaced by T.
Protein change: p.Leu804=; no amino-acid change (leucine 804 retained).
Molecular consequence: synonymous variant.
Genome position (GRCh38, 1-based): chr4:6,302,205, C>T. VCF-style: chr4-6302205-C-T. GRCh37 (hg19) VCF-style: chr4-6303932-C-T.
Other names: c.2410C>T, p.Leu804= (NM_001145853.1).
Identifiers: ClinVar variation 3349067 (VCV003349067.1).